The following is an entry in ClinVar:

ClinVar aggregate classification (germline): Uncertain significance (1 of 4 stars; one submission).

gnomAD v4.1: 82 of 1,614,036 alleles (0.0051%); highest among the groups gnomAD compares: Admixed American, 0.052%; no homozygotes.

Submission:

Women's Health and Genetics/Laboratory Corporation of America, LabCorp
Classification: Uncertain significance. Last evaluated: 2025-11-04. Review status: criteria provided, single submitter. Criteria: LabCorp Variant Classification Summary - May 2015. Collection method: clinical testing. Allele origin: germline.
Comment: Variant summary: HCK c.368G>A (p.Arg123Gln) results in a conservative amino acid change in the encoded protein sequence. Algorithms developed to predict the effect of missense changes on protein structure and function all suggest that this variant is likely to be tolerated. The variant allele was found at a frequency of 0.0001 in 251430 control chromosomes, predominantly at a frequency of 0.00046 within the Latino subpopulation in the gnomAD database. This frequency is not significantly higher than estimated for disease-causing variants in HCK, allowing no conclusion about variant significance. To our knowledge, no occurrence of c.368G>A in individuals affected with HCK-related conditions and no experimental evidence demonstrating its impact on protein function have been reported. No submitters have cited clinical-significance assessments for this variant to ClinVar. Based on the evidence outlined above, the variant was classified as uncertain significance.

NM_002110.5(HCK):c.368G>A (p.Arg123Gln)

Gene: HCK (HCK proto-oncogene, Src family tyrosine kinase; plus strand). Cytogenetic location: 20q11.21.
Variant type: single nucleotide variant.
Coding change: c.368G>A on transcript NM_002110.5 (MANE Select); coding-DNA position 368, G replaced by A.
Protein change: p.Arg123Gln; replaces arginine 123 with glutamine.
Molecular consequence: missense variant.
Genome position (GRCh38, 1-based): chr20:32,074,661, G>A. VCF-style: chr20-32074661-G-A. GRCh37 (hg19) VCF-style: chr20-30662464-G-A.
Other names: c.302G>A, p.Arg101Gln (NM_001172131.3); c.308G>A, p.Arg103Gln (NM_001172132.3); c.305G>A, p.Arg102Gln (NM_001172133.3, NM_001172129.3); c.365G>A, p.Arg122Gln (NM_001172130.3); short protein forms R101Q, R102Q, R103Q, R122Q, R123Q.
Identifiers: ClinVar variation 4537073 (VCV004537073.1).